The following is an entry in ClinVar:

ClinVar aggregate classification (germline): Uncertain significance. Review status: criteria provided, multiple submitters, no conflicts (2 of 4 stars). 3 submissions from 3 submitters: Uncertain significance (3). Last evaluated 2025-06-09.

Conditions:
RYR1-related disorder. Also called: RYR1-related disorders; RYR1-related condition. Identifiers: MedGen CN239331.
Malignant hyperthermia, susceptibility to, 1 (MHS1). Also called: Malignant hyperthermia suceptibility 1; RYR1-Related Malignant Hyperthermia Susceptibility; Anesthesia related hyperthermia; Malignant hyperpyrexia; Fulminating hyperpyrexia; Pharmacogenic myopathy. Identifiers: Orphanet 423, MedGen C2930980, MONDO:0007783, OMIM 145600.

Allele frequency attached by ClinVar (database versions not stated): TOPMed below 0.00001; gnomAD 0.00001.
gnomAD v4.1: 4 of 1,613,912 alleles (0.00025%); highest among the groups gnomAD compares: African/African-American, 0.0013%; no homozygotes.

Submissions (3):

Color Diagnostics, LLC DBA Color Health
Classification: Uncertain significance for Malignant hyperthermia, susceptibility to, 1. Last evaluated: 2025-06-09. Review status: criteria provided, single submitter. Criteria: ACMG Guidelines, 2015. Collection method: clinical testing. Allele origin: germline.
Comment: This missense variant replaces arginine with glutamine at codon 3768 of the RYR1 protein. Computational prediction suggests that this variant may have deleterious impact on protein structure and function. To our knowledge, functional studies have not been reported for this variant. This variant has not been reported in individuals affected with RYR1-related disorders in the literature. This variant has been identified in 1/250784 chromosomes in the general population by the Genome Aggregation Database (gnomAD). The available evidence is insufficient to determine the role of this variant in disease conclusively. Therefore, this variant is classified as a Variant of Uncertain Significance.

Labcorp Genetics (formerly Invitae), Labcorp
Classification: Uncertain significance for RYR1-related disorder. Last evaluated: 2024-06-12. Review status: criteria provided, single submitter. Criteria: Invitae Variant Classification Sherloc (09022015). Collection method: clinical testing. Allele origin: germline.
Comment: This sequence change replaces arginine, which is basic and polar, with glutamine, which is neutral and polar, at codon 3768 of the RYR1 protein (p.Arg3768Gln). This variant is present in population databases (no rsID available, gnomAD 0.004%). This variant has not been reported in the literature in individuals affected with RYR1-related conditions. ClinVar contains an entry for this variant (Variation ID: 2579510). Advanced modeling of protein sequence and biophysical properties (such as structural, functional, and spatial information, amino acid conservation, physicochemical variation, residue mobility, and thermodynamic stability) performed at Invitae indicates that this missense variant is expected to disrupt RYR1 protein function with a positive predictive value of 95%. In summary, the available evidence is currently insufficient to determine the role of this variant in disease. Therefore, it has been classified as a Variant of Uncertain Significance.

GeneDx
Classification: Uncertain significance. Last evaluated: 2023-03-07. Review status: criteria provided, single submitter. Criteria: GeneDx Variant Classification Process June 2021. Collection method: clinical testing. Allele origin: germline. Affected: yes.
Comment: Not observed at significant frequency in large population cohorts (gnomAD); In silico analysis supports that this missense variant has a deleterious effect on protein structure/function; Has not been previously published as pathogenic or benign to our knowledge

NM_000540.3(RYR1):c.11303G>A (p.Arg3768Gln)

Gene: RYR1 (ryanodine receptor 1; plus strand). Cytogenetic location: 19q13.2.
Variant type: single nucleotide variant.
Coding change: c.11303G>A on transcript NM_000540.3 (MANE Select); coding-DNA position 11303, G replaced by A.
Protein change: p.Arg3768Gln; replaces arginine 3768 with glutamine.
Molecular consequence: missense variant.
Genome position (GRCh38, 1-based): chr19:38,534,763, G>A. VCF-style: chr19-38534763-G-A. GRCh37 (hg19) VCF-style: chr19-39025403-G-A.
Other names: c.11288G>A, p.Arg3763Gln (NM_001042723.2); short protein forms R3763Q, R3768Q.
Identifiers: ClinVar variation 2579510 (VCV002579510.4), dbSNP rs1214804010, ClinGen allele CA080255.